The following is an entry in ClinVar:

ClinVar aggregate classification (germline): Benign/Likely benign. Review status: criteria provided, multiple submitters, no conflicts (2 of 4 stars). 3 submissions from 2 submitters: Benign (1); Likely benign (2). Last evaluated 2018-01-13.

Conditions:
Autosomal dominant nonsyndromic hearing loss 6 (LFSNHL). Also called: DEAFNESS, AUTOSOMAL DOMINANT 6; DEAFNESS, AUTOSOMAL DOMINANT 14; DEAFNESS, AUTOSOMAL DOMINANT 38; Autosomal dominant nonsyndromic deafness 6; DIDMOAD (Diabetes Insipidus, Diabetes Mellitus, Optic Atrophy, and Deafness). Identifiers: Orphanet 90635, MedGen C1833021, MONDO:0010963, OMIM 600965.
WFS1-Related Spectrum Disorders.
Wolfram syndrome 1 (WFS1). Identifiers: Orphanet 3463, MedGen C4551693, MONDO:0009101, OMIM 222300.

Allele frequency attached by ClinVar (database versions not stated): gnomAD exomes 0.00027; gnomAD 0.00048 and 0.00050; 1000 Genomes Project 0.00060; 1000 Genomes Project 30x 0.00062; TOPMed 0.00094.

Submissions (3):

Illumina Laboratory Services, Illumina
Classification: Likely benign for Autosomal dominant nonsyndromic hearing loss 6. Last evaluated: 2018-01-13. Review status: criteria provided, single submitter. Criteria: ICSL Variant Classification Criteria 13 December 2019. Collection method: clinical testing. Allele origin: germline.
Comment: This variant was observed in the ICSL laboratory as part of a predisposition screen in an ostensibly healthy population. It had not been previously curated by ICSL or reported in the Human Gene Mutation Database (HGMD: prior to June 1st, 2018), and was therefore a candidate for classification through an automated scoring system. Utilizing variant allele frequency, disease prevalence and penetrance estimates, and inheritance mode, an automated score was calculated to assess if this variant is too frequent to cause the disease. Based on the score and internal cut-off values, a variant classified as likely benign is not then subjected to further curation. The score for this variant resulted in a classification of likely benign for this disease.

Illumina Laboratory Services, Illumina
Classification: Likely benign for WFS1-Related Spectrum Disorders. Last evaluated: 2018-01-13. Review status: criteria provided, single submitter. Criteria: ICSL Variant Classification Criteria 13 December 2019. Collection method: clinical testing. Allele origin: germline.
Comment: the same text as in the submission from Illumina Laboratory Services, Illumina above.

Clinical Genomics, Uppaluri K&H Personalized Medicine Clinic
Classification: Benign for Wolfram syndrome 1. Review status: criteria provided, single submitter. Criteria: K & H Uppaluri Personalized Medicine Clinic Variant Classification & Assertion Criteria_Updated V.1. Collection method: research. Allele origin: unknown. Inheritance: Autosomal recessive inheritance.
Comment: Potent mutations in WFS1 gene are associated with Wolfram's syndrome, an autosomal recessive condition, which cause diabetes mellitus, diabetes insipidus, deafness and optic atrophy.However no sufficient evidence is found to ascertain the role of this particular variant rs571223325 in Wolfram's syndrome yet.

Literature cited by the submitters: PubMed 20738327 (cited by Clinical Genomics, Uppaluri K&H Personalized Medicine Clinic); PubMed 33879153 (cited by Clinical Genomics, Uppaluri K&H Personalized Medicine Clinic); PubMed 12955714 (cited by Clinical Genomics, Uppaluri K&H Personalized Medicine Clinic); PubMed 18060660 (cited by Clinical Genomics, Uppaluri K&H Personalized Medicine Clinic); PubMed 20301750 (cited by Clinical Genomics, Uppaluri K&H Personalized Medicine Clinic); PubMed 17603484 (cited by Clinical Genomics, Uppaluri K&H Personalized Medicine Clinic).

NM_006005.3(WFS1):c.*263T>G

Gene: WFS1 (wolframin ER transmembrane glycoprotein; plus strand). Cytogenetic location: 4p16.1.
Variant type: single nucleotide variant.
Coding change: c.*263T>G on transcript NM_006005.3 (MANE Select); 263 bases downstream of the stop codon, T replaced by G.
Molecular consequence: 3 prime UTR variant.
Genome position (GRCh38, 1-based): chr4:6,302,731, T>G. VCF-style: chr4-6302731-T-G. GRCh37 (hg19) VCF-style: chr4-6304458-T-G.
Other names: c.*263T>G (NM_001145853.1).
Identifiers: ClinVar variation 904592 (VCV000904592.5), dbSNP rs571223325, ClinGen allele CA91798211.